The following is an entry in ClinVar:

ClinVar aggregate classification (germline): Likely pathogenic (1 of 4 stars; one submission).

Conditions:
Congenital diarrhea 5 with tufting enteropathy. Also called: INTESTINAL EPITHELIAL CELL DYSPLASIA; Congenital tufting enteropathy. Identifiers: Orphanet 92050, MedGen C2750737, MONDO:0013184, OMIM 613217.

Submission:

Medical Genetics Laboratory, Niloo Shiraz Laboratory
Classification: Likely pathogenic for Congenital diarrhea 5 with tufting enteropathy. Review status: criteria provided, single submitter. Criteria: ACMG Guidelines, 2015. Collection method: clinical testing. Allele origin: germline. Inheritance: Autosomal recessive inheritance. Affected: yes.
Comment: This variant has not been reported in the ClinVar database and is extremely rare, with only one heterozygous individual observed in gnomAD, and it is absent from the Niloo-Exome. The mutation affects the start codon and is predicted to result in loss of EPCAM expression according to in silico analyses. Also, based on NCBI annotations, EPCAM has only a single transcript; therefore, this variant is expected to abolish protein synthesis entirely. Based on ACMG guidelines, it is classified as a likely pathogenic mutation.

NM_002354.3(EPCAM):c.1_7del (p.Met1fs)

Gene: EPCAM (epithelial cell adhesion molecule; plus strand). Cytogenetic location: 2p21.
Variant type: Deletion.
Coding change: c.1_7del on transcript NM_002354.3 (MANE Select); coding-DNA positions 1 to 7, 7 bases deleted (ATGGCGC; older notation c.1_7delATGGCGC).
Protein change: p.Met1fs; shifts the reading frame from methionine 1.
Molecular consequence: frameshift variant, initiator codon variant.
Genome position (GRCh38, 1-based): chr2:47,369,506-47,369,512, ATGGCGC deleted; deleting any 7 consecutive bases within chr2:47,369,504-47,369,512 gives the same sequence; the c. name uses the placement nearest the transcript's 3' end. VCF-style (leftmost placement, unchanged base first): chr2-47369503-AGCATGGC-A. GRCh37 (hg19) VCF-style: chr2-47596642-AGCATGGC-A.
Other names: short protein forms M1fs.
Identifiers: ClinVar variation 4277342 (VCV004277342.1).